The following is an entry in ClinVar:

ClinVar aggregate classification (germline): Uncertain significance (1 of 4 stars; one submission).

Submission:

GeneDx
Classification: Uncertain significance. Last evaluated: 2025-01-09. Review status: criteria provided, single submitter. Criteria: GeneDx Variant Classification Process June 2021. Collection method: clinical testing. Allele origin: germline. Affected: yes.
Comment: Not observed at significant frequency in large population cohorts (gnomAD); In silico analysis supports that this missense variant has a deleterious effect on protein structure/function; Has not been previously published as pathogenic or benign to our knowledge

NM_015322.5(FEM1B):c.535G>T (p.Asp179Tyr)

Gene: FEM1B (fem-1 homolog B; plus strand). Cytogenetic location: 15q23.
Variant type: single nucleotide variant.
Coding change: c.535G>T on transcript NM_015322.5 (MANE Select); coding-DNA position 535, G replaced by T.
Protein change: p.Asp179Tyr; replaces aspartic acid 179 with tyrosine.
Molecular consequence: missense variant.
Genome position (GRCh38, 1-based): chr15:68,289,893, G>T. VCF-style: chr15-68289893-G-T. GRCh37 (hg19) VCF-style: chr15-68582231-G-T.
Other names: short protein forms D179Y.
Identifiers: ClinVar variation 4056950 (VCV004056950.1).